The following is an entry in ClinVar:

ClinVar aggregate classification (germline): Uncertain significance (1 of 4 stars; one submission).

Conditions:
Dilated cardiomyopathy 1DD (CMD1DD). Identifiers: Orphanet 154, MedGen C2750995, MONDO:0013168, OMIM 613172.

Submission:

Clinical Genomics Laboratory, Stanford Medicine
Classification: Uncertain significance for Dilated cardiomyopathy 1DD. Last evaluated: 2022-04-11. Review status: criteria provided, single submitter. Criteria: ACMG Guidelines, 2015. Collection method: clinical testing. Allele origin: germline. Observed: 1 variant allele, 1 heterozygote.
Comment: The p.Glu1206Gln variant in the RBM20 gene has not been previously reported in association with disease. A different amino acid change at this position, p.Glu1206Lys, has been reported in an individual with idiopathic dilated cardiomyopathy (Refaat et al., 2012). This variant was absent from large population databases, including the Genome Aggregation Database. The glutamic acid at position 1206 is moderately evolutionarily conserved. Computational tools do not predict that the p.Glu1206Gln variant is deleterious; however, the accuracy of in silico algorithms is limited. These data were assessed using the ACMG/AMP variant interpretation guidelines. In summary, the significance of the p.Glu1206Gln variant is uncertain. Additional information is needed to resolve the significance of this variant. [ACMG evidence codes used: PM2]

NM_001134363.3(RBM20):c.3616G>C (p.Glu1206Gln)

Gene: RBM20 (RNA binding motif protein 20; plus strand). Cytogenetic location: 10q25.2.
Variant type: single nucleotide variant.
Coding change: c.3616G>C on transcript NM_001134363.3 (MANE Select); coding-DNA position 3616, G replaced by C.
Protein change: p.Glu1206Gln; replaces glutamic acid 1206 with glutamine.
Molecular consequence: missense variant.
Genome position (GRCh38, 1-based): chr10:110,835,910, G>C. VCF-style: chr10-110835910-G-C. GRCh37 (hg19) VCF-style: chr10-112595668-G-C.
Other names: short protein forms E1206Q.
Identifiers: ClinVar variation 3900606 (VCV003900606.1).